The following is an entry in ClinVar:

ClinVar aggregate classification (germline): Likely benign (0 of 4 stars; one submission).

Conditions:
CADPS-related disorder. Also called: CADPS-related condition.

gnomAD v4.1: 45 of 1,560,050 alleles (0.0029%); highest among the groups gnomAD compares: Middle Eastern, 0.28%; no homozygotes.

Submission:

PreventionGenetics, part of Exact Sciences
Classification: Likely benign for CADPS-related condition. Last evaluated: 2024-04-29. Review status: no assertion criteria provided. Collection method: clinical testing. Allele origin: germline.
Comment: This variant is classified as likely benign based on ACMG/AMP sequence variant interpretation guidelines (Richards et al. 2015 PMID: 25741868, with internal and published modifications).

NM_003716.4(CADPS):c.387C>A (p.Ile129=)

Gene: CADPS (calcium dependent secretion activator; minus strand). Cytogenetic location: 3p14.2.
Variant type: single nucleotide variant.
Coding change: c.387C>A on transcript NM_003716.4 (MANE Select); coding-DNA position 387, C replaced by A.
Protein change: p.Ile129=; no amino-acid change (isoleucine 129 retained).
Molecular consequence: synonymous variant.
Genome position (GRCh38, 1-based): chr3:62,874,643, G>T on the plus strand (C>A on the coding strand, the complement: CADPS is on the minus strand). VCF-style: chr3-62874643-G-T. GRCh37 (hg19) VCF-style: chr3-62860318-G-T.
Other names: c.387C>A, p.Ile129= (NM_183393.3, NM_183394.3).
Identifiers: ClinVar variation 3352491 (VCV003352491.1).
Genomic context (GRCh38, chr3:62,874,643, plus strand): 5'-ACCTACCTTCTGCTGCCGGCGAGCCATGTCGGTGGGCTGCTTGGCATTAAAGGGGTAGGC[G>T]ATGCAGCGCATCACGAACACATACAGCTGCAGCCTCTTCTTCCTCTCCTCCTCCTCTTTC-3'
Protein context (NP_003707.2, residues 119-139): LQLYVFVMRC[Ile129=]AYPFNAKQPT